The following is an entry in ClinVar:

NM_000539.3(RHO):c.404G>T (p.Arg135Leu)

Gene: RHO (rhodopsin; plus strand). Cytogenetic location: 3q22.1.
Variant type: single nucleotide variant.
Coding change: c.404G>T on transcript NM_000539.3 (MANE Select); coding-DNA position 404, G replaced by T.
Protein change: p.Arg135Leu; replaces arginine 135 with leucine.
Molecular consequence: missense variant.
Genome position (GRCh38, 1-based): chr3:129,530,918, G>T. VCF-style: chr3-129530918-G-T. GRCh37 (hg19) VCF-style: chr3-129249761-G-T.
Other names: short protein forms R135L.
Identifiers: ClinVar variation 13024 (VCV000013024.10), dbSNP rs104893774, ClinGen allele CA256671.
Genomic context (GRCh38, chr3:129,530,918, plus strand): 5'-CTGCTGACTGCCTTGCAGGTGAAATTGCCCTGTGGTCCTTGGTGGTCCTGGCCATCGAGC[G>T]GTACGTGGTGGTGTGTAAGCCCATGAGCAACTTCCGCTTCGGGGAGAACCATGCCATCAT-3'
Protein context (NP_000530.1, residues 125-145): LWSLVVLAIE[Arg135Leu]YVVVCKPMSN

ClinVar aggregate classification (germline): Pathogenic. Review status: criteria provided, multiple submitters, no conflicts (2 of 4 stars). 5 submissions from 5 submitters: Pathogenic (4). 1 of the submissions does not count toward it. Last evaluated 2022-11-03.

Conditions:
RHO-related disorder. Also called: RHO-related condition.
Retinitis pigmentosa 4 (RP4). Also called: RETINITIS PIGMENTOSA, RHODOPSIN-RELATED. Identifiers: Orphanet 791, MedGen C3151001, MONDO:0013395, OMIM 613731.

Submissions (5):

Blueprint Genetics
Classification: Pathogenic for RHO-related disorders. Last evaluated: 2022-11-03. Review status: criteria provided, single submitter. Criteria: ACMG Guidelines, 2015. Collection method: clinical testing. Allele origin: germline. Affected: yes. Observed: 5 variant alleles.

Labcorp Genetics (formerly Invitae), Labcorp
Classification: Pathogenic. Last evaluated: 2022-09-26. Review status: criteria provided, single submitter. Criteria: Invitae Variant Classification Sherloc (09022015). Collection method: clinical testing. Allele origin: germline.
Comment: This sequence change replaces arginine, which is basic and polar, with leucine, which is neutral and non-polar, at codon 135 of the RHO protein (p.Arg135Leu). This variant is not present in population databases (gnomAD no frequency). This missense change has been observed in individuals with autosomal dominant retinitis pigmentosa (PMID: 1484692, 29847639). It has also been observed to segregate with disease in related individuals. ClinVar contains an entry for this variant (Variation ID: 13024). Advanced modeling of protein sequence and biophysical properties (such as structural, functional, and spatial information, amino acid conservation, physicochemical variation, residue mobility, and thermodynamic stability) performed at Invitae indicates that this missense variant is expected to disrupt RHO protein function. Experimental studies have shown that this missense change affects RHO function (PMID: 30977563). For these reasons, this variant has been classified as Pathogenic.

Ocular Genomics Institute, Massachusetts Eye and Ear
Classification: Pathogenic for Retinitis pigmentosa 4. Last evaluated: 2021-04-08. Review status: criteria provided, single submitter. Criteria: ACMG Guidelines, 2015. Collection method: research. Allele origin: germline. Affected: yes.
Comment: Through a review of available evidence we were able to apply the following criteria: PM2, PP3, PM1, PS3, PP1-S. Based on this evidence we have classified this variant as Pathogenic.

GeneDx
Classification: Pathogenic. Last evaluated: 2016-07-14. Review status: criteria provided, single submitter. Criteria: GeneDx Variant Classification (06012015). Collection method: clinical testing. Allele origin: germline. Affected: yes.
Comment: The R135L (c.404 G>T) variant has been published previously in association with adRP (AndrÃ©asson et al., 1992; Fernandez-San et al., 2015). The variant was not observed in approximately 6,500 individuals of European and African American ancestry in the NHLBI Exome Sequencing Project, indicating it is not a common benign variant in these populations. R135L is a non-conservative amino acid substitution, which is likely to impact secondary protein structure as these residues differ in polarity, charge, size and/or other properties. This substitution occurs at a position involved in rhodopsin kinase, transducin, and arrestin binding (Rakoczy et al., 2011) that is conserved across species, and in silico analysis predicts this variant is probably damaging to the protein structure/function. In addition, functional studies have shown R135L leads to misfolding and impaired activity of the RHO protein (Chuang et al., 2004; Iannaccone et al., 2006). Missense variants in the same residue (R135G/W/P) and in nearby residues (L131PK, V137M, C140S) have been reported in the Human Gene Mutation Database in association with RP (Stenson et al., 2014), supporting the functional importance of this region of the protein. Therefore, we consider this variant to be pathogenic.

OMIM
Classification: Pathogenic for RETINITIS PIGMENTOSA 4. Last evaluated: 1992-09-01. Review status: no assertion criteria provided. Collection method: literature only. Allele origin: germline. Not counted in ClinVar's aggregate classification.

Literature cited by the submitters: PubMed 1484692 (cited by 3 submitters); PubMed 29847639 (cited by Labcorp Genetics (formerly Invitae), Labcorp and Ocular Genomics Institute, Massachusetts Eye and Ear); PubMed 30977563 (cited by Labcorp Genetics (formerly Invitae), Labcorp and Ocular Genomics Institute, Massachusetts Eye and Ear); PubMed 1882937 (cited by Ocular Genomics Institute, Massachusetts Eye and Ear and OMIM); PubMed 1862076 (cited by Ocular Genomics Institute, Massachusetts Eye and Ear and OMIM); PubMed 17014888 (cited by Ocular Genomics Institute, Massachusetts Eye and Ear); PubMed 18175313 (cited by Ocular Genomics Institute, Massachusetts Eye and Ear); PubMed 21094163 (cited by Ocular Genomics Institute, Massachusetts Eye and Ear); PubMed 15232620 (cited by Ocular Genomics Institute, Massachusetts Eye and Ear).